The following is an entry in ClinVar:

NM_001122630.2(CDKN1C):c.567_590del (p.186_187AP[6])

Gene: CDKN1C (cyclin dependent kinase inhibitor 1C; minus strand). Cytogenetic location: 11p15.4.
Variant type: Indel.
Coding change: c.567_590del on transcript NM_001122630.2 (MANE Select); coding-DNA positions 567 to 590, 24 bases deleted (AGCCCCGGCCCCGGCCCCGGCCCC).
Protein change: p.186_187AP[6].
Molecular consequence: inframe deletion. On other transcripts: intron variant (1).
Genome position (GRCh38, 1-based): chr11:2,884,867-2,884,890, GGGGCCGGGGCCGGGGCCGGGGCT deleted on the plus strand (AGCCCCGGCCCCGGCCCCGGCCCC on the coding strand, the reverse complement: CDKN1C is on the minus strand); deleting any 24 consecutive bases within chr11:2,884,867-2,884,903 gives the same sequence; the c. name uses the placement nearest the transcript's 3' end. VCF-style (leftmost placement, unchanged base first): chr11-2884866-CGGGGCCGGGGCCGGGGCCGGGGCT-C. GRCh37 (hg19) VCF-style: chr11-2906096-CGGGGCCGGGGCCGGGGCCGGGGCT-C.
Other names: c.600_623del, p.197_198AP[6] (LRG_533t1, NM_000076.2, NM_001362474.2); c.567_590del, p.186_187AP[6] (NM_001122631.2); c.255+312_255+335del (NM_001362475.2); c.600_623delAGCCCCGGCCCCGGCCCCGGCCCC (NM_000076.2).
Identifiers: ClinVar variation 236963 (VCV000236963.30), dbSNP rs878853637, ClinGen allele CA10582895.

ClinVar aggregate classification (germline): Conflicting classifications of pathogenicity. Review status: criteria provided, conflicting classifications (1 of 4 stars). 5 submissions from 5 submitters: Uncertain significance (1); Benign (1); Likely benign (3). Last evaluated 2026-05-01.

Conditions:
Beckwith-Wiedemann syndrome (BWS). Also called: EMG SYNDROME; Exomphalos macroglossia gigantism syndrome. Identifiers: Orphanet 116, MedGen C0004903, MONDO:0007534, OMIM 130650.

Submissions (5):

CeGaT Center for Human Genetics Tuebingen
Classification: Likely benign. Last evaluated: 2026-05-01. Review status: criteria provided, single submitter. Criteria: CeGaT Center For Human Genetics Tuebingen Variant Classification Criteria Version 2. Collection method: clinical testing. Allele origin: germline. Affected: yes. Observed: 4 variant alleles.
Comment: CDKN1C: BS1

Labcorp Genetics (formerly Invitae), Labcorp
Classification: Benign for Beckwith-Wiedemann syndrome. Last evaluated: 2026-01-27. Review status: criteria provided, single submitter. Criteria: Invitae Variant Classification Sherloc (09022015). Collection method: clinical testing. Allele origin: germline.

Blueprint Genetics
Classification: Likely benign. Last evaluated: 2024-06-28. Review status: criteria provided, single submitter. Criteria: ACMG Guidelines, 2015. Collection method: clinical testing. Allele origin: germline.

Revvity Omics, Revvity
Classification: Uncertain significance. Last evaluated: 2022-01-20. Review status: criteria provided, single submitter. Criteria: ACMG Guidelines, 2015. Collection method: clinical testing. Allele origin: germline.

Sema4
Classification: Likely benign for Beckwith-Wiedemann syndrome. Last evaluated: 2021-06-28. Review status: criteria provided, single submitter. Criteria: Sema4 Curation Guidelines. Collection method: curation. Allele origin: germline.